The following is an entry in ClinVar:

NM_000742.4(CHRNA2):c.*1446A>G

Gene: CHRNA2 (cholinergic receptor nicotinic alpha 2 subunit; minus strand). Cytogenetic location: 8p21.2.
Variant type: single nucleotide variant.
Coding change: c.*1446A>G on transcript NM_000742.4 (MANE Select); 1446 bases downstream of the stop codon, A replaced by G.
Molecular consequence: 3 prime UTR variant.
Genome position (GRCh38, 1-based): chr8:27,460,183, T>C on the plus strand (A>G on the coding strand, the complement: CHRNA2 is on the minus strand). VCF-style: chr8-27460183-T-C. GRCh37 (hg19) VCF-style: chr8-27317700-T-C.
Other names: c.*1446A>G (NM_001282455.2, NM_001347705.2, NM_001347706.2 and 2 more transcripts).
Identifiers: ClinVar variation 362667 (VCV000362667.5), dbSNP rs28697263, ClinGen allele CA10625264.
Genomic context (GRCh38, chr8:27,460,183, plus strand): 5'-TCGCCCTGCTCGGCTTCCTGCCTGGAGCCTCCATGCTGTCCCGAGAACCCGATGCCCACA[T>C]CTGTTAGCTGCCAATGTCCCACCCTCCAGTCTGGACAGAGTTGGGGGGAGGTCTGTTGCC-3'

ClinVar aggregate classification (germline): Benign (1 of 4 stars; one submission).

Conditions:
Autosomal dominant nocturnal frontal lobe epilepsy 4. Also called: EPILEPSY, FAMILIAL, WITH NOCTURNAL WANDERING AND ICTAL FEAR; CHRNA2-Related Nocturnal Frontal Lobe Epilepsy, Autosomal Dominant. Identifiers: Orphanet 98784, MedGen C1835905, MONDO:0012474, OMIM 610353.

Allele frequency attached by ClinVar (database versions not stated): gnomAD 0.00385 and 0.00411; TOPMed 0.00451; 1000 Genomes Project 30x 0.00515; 1000 Genomes Project 0.00539.

Submission:

Illumina Laboratory Services, Illumina
Classification: Benign for Autosomal dominant nocturnal frontal lobe epilepsy 4. Last evaluated: 2018-01-13. Review status: criteria provided, single submitter. Criteria: ICSL Variant Classification Criteria 13 December 2019. Collection method: clinical testing. Allele origin: germline.
Comment: This variant was observed in the ICSL laboratory as part of a predisposition screen in an ostensibly healthy population. It had not been previously curated by ICSL or reported in the Human Gene Mutation Database (HGMD: prior to June 1st, 2018), and was therefore a candidate for classification through an automated scoring system. Utilizing variant allele frequency, disease prevalence and penetrance estimates, and inheritance mode, an automated score was calculated to assess if this variant is too frequent to cause the disease. Based on the score and internal cut-off values, a variant classified as benign is not then subjected to further curation. The score for this variant resulted in a classification of benign for this disease.